The following is an entry in ClinVar:

ClinVar aggregate classification (germline): Uncertain significance (1 of 4 stars; one submission).

Conditions:
Glycine encephalopathy. Also called: Non-ketotic hyperglycinemia; Nonketotic hyperglycinemia. Identifiers: Orphanet 407, MedGen C0751748, MONDO:0011612, HP:0008288.

Submission:

Labcorp Genetics (formerly Invitae), Labcorp
Classification: Uncertain significance for Glycine encephalopathy. Last evaluated: 2022-10-05. Review status: criteria provided, single submitter. Criteria: Invitae Variant Classification Sherloc (09022015). Collection method: clinical testing. Allele origin: germline.
Comment: In summary, the available evidence is currently insufficient to determine the role of this variant in disease. Therefore, it has been classified as a Variant of Uncertain Significance. Advanced modeling of protein sequence and biophysical properties (such as structural, functional, and spatial information, amino acid conservation, physicochemical variation, residue mobility, and thermodynamic stability) performed at Invitae indicates that this missense variant is expected to disrupt GLDC protein function. This variant has not been reported in the literature in individuals affected with GLDC-related conditions. This variant is not present in population databases (gnomAD no frequency). This sequence change replaces isoleucine, which is neutral and non-polar, with threonine, which is neutral and polar, at codon 697 of the GLDC protein (p.Ile697Thr).

NM_000170.3(GLDC):c.2090T>C (p.Ile697Thr)

Gene: GLDC (glycine decarboxylase; minus strand). Cytogenetic location: 9p24.1.
Variant type: single nucleotide variant.
Coding change: c.2090T>C on transcript NM_000170.3 (MANE Select); coding-DNA position 2090, T replaced by C.
Protein change: p.Ile697Thr; replaces isoleucine 697 with threonine.
Molecular consequence: missense variant.
Genome position (GRCh38, 1-based): chr9:6,556,265, A>G on the plus strand (T>C on the coding strand, the complement: GLDC is on the minus strand). VCF-style: chr9-6556265-A-G. GRCh37 (hg19) VCF-style: chr9-6556265-A-G.
Other names: short protein forms I697T.
Identifiers: ClinVar variation 2126224 (VCV002126224.4), dbSNP rs2489036465, ClinGen allele CA372881393.
Genomic context (GRCh38, chr9:6,556,265, plus strand): 5'-ATGAGGTCACACACGTCACTGATGTTCTCTTCAAACACCCCATTGGTGGATGGGTATGTA[A>G]TCATGATAGCTGCTAGGTTCTCCTTGTGCTTATCCACCTGTGAAAGAAAAGGGGTAGAGA-3'
Protein context (NP_000161.2, residues 687-707): KHKENLAAIM[Ile697Thr]TYPSTNGVFE